The following is an entry in ClinVar:

ClinVar aggregate classification (germline): Uncertain significance (1 of 4 stars; one submission).

Conditions:
Inborn genetic diseases. Identifiers: MedGen C0950123, MeSH D030342.

gnomAD v4.1: 1 of 1,614,098 alleles (0.000062%); highest among the groups gnomAD compares: Non-Finnish European, 0.000085%; no homozygotes.

Submission:

Ambry Genetics
Classification: Uncertain significance for Inborn genetic diseases. Last evaluated: 2024-09-22. Review status: criteria provided, single submitter. Criteria: Ambry Variant Classification Scheme 2023. Collection method: clinical testing. Allele origin: germline.
Comment: The p.A429D variant (also known as c.1286C>A), located in coding exon 13 of the ERCC2 gene, results from a C to A substitution at nucleotide position 1286. The alanine at codon 429 is replaced by aspartic acid, an amino acid with dissimilar properties. This amino acid position is conserved. In addition, the in silico prediction for this alteration is inconclusive. Based on the available evidence, the clinical significance of this variant remains unclear.

NM_000400.4(ERCC2):c.1286C>A (p.Ala429Asp)

Gene: ERCC2 (ERCC excision repair 2, TFIIH core complex helicase subunit; minus strand). Cytogenetic location: 19q13.32.
Variant type: single nucleotide variant.
Coding change: c.1286C>A on transcript NM_000400.4 (MANE Select); coding-DNA position 1286, C replaced by A.
Protein change: p.Ala429Asp; replaces alanine 429 with aspartic acid.
Molecular consequence: missense variant.
Genome position (GRCh38, 1-based): chr19:45,357,651, G>T on the plus strand (C>A on the coding strand, the complement: ERCC2 is on the minus strand). VCF-style: chr19-45357651-G-T. GRCh37 (hg19) VCF-style: chr19-45860909-G-T.
Other names: short protein forms A429D.
Identifiers: ClinVar variation 3509873 (VCV003509873.1).